The following is an entry in ClinVar:

NM_002519.3(NPAT):c.422C>T (p.Pro141Leu)

Gene: NPAT (nuclear protein, coactivator of histone transcription; minus strand). Cytogenetic location: 11q22.3.
Variant type: single nucleotide variant.
Coding change: c.422C>T on transcript NM_002519.3 (MANE Select); coding-DNA position 422, C replaced by T.
Protein change: p.Pro141Leu; replaces proline 141 with leucine.
Molecular consequence: missense variant.
Genome position (GRCh38, 1-based): chr11:108,189,240, G>A on the plus strand (C>T on the coding strand, the complement: NPAT is on the minus strand). VCF-style: chr11-108189240-G-A. GRCh37 (hg19) VCF-style: chr11-108059967-G-A.
Other names: c.422C>T, p.Pro141Leu (NM_001321307.1); short protein forms P141L.
Identifiers: ClinVar variation 2447466 (VCV002447466.2), dbSNP rs771410084, ClinGen allele CA382524905.

ClinVar aggregate classification (germline): Uncertain significance (1 of 4 stars; one submission).

Allele frequency attached by ClinVar (database versions not stated): TOPMed below 0.00001.

Submission:

Ambry Genetics
Classification: Uncertain significance. Last evaluated: 2023-02-04. Review status: criteria provided, single submitter. Criteria: Ambry Variant Classification Scheme 2023. Collection method: clinical testing. Allele origin: germline.
Comment: The p.P141L variant (also known as c.422C>T), located in coding exon 6 of the NPAT gene, results from a C to T substitution at nucleotide position 422. The proline at codon 141 is replaced by leucine, an amino acid with similar properties. This amino acid position is conserved. In addition, this alteration is predicted to be tolerated by in silico analysis. Since supporting evidence is limited at this time, the clinical significance of this alteration remains unclear.